The following is an entry in ClinVar:

NM_020706.2(SCAF4):c.3308T>G (p.Val1103Gly)

Gene: SCAF4 (SR-related CTD associated factor 4; minus strand). Cytogenetic location: 21q22.11.
Variant type: single nucleotide variant.
Coding change: c.3308T>G on transcript NM_020706.2 (MANE Select); coding-DNA position 3308, T replaced by G.
Protein change: p.Val1103Gly; replaces valine 1103 with glycine.
Molecular consequence: missense variant.
Genome position (GRCh38, 1-based): chr21:31,671,535, A>C on the plus strand (T>G on the coding strand, the complement: SCAF4 is on the minus strand). VCF-style: chr21-31671535-A-C. GRCh37 (hg19) VCF-style: chr21-33043848-A-C.
Other names: c.3263T>G, p.Val1088Gly (NM_001145444.1); c.3242T>G, p.Val1081Gly (NM_001145445.1); short protein forms V1081G, V1088G, V1103G.
Identifiers: ClinVar variation 3359808 (VCV003359808.1).

ClinVar aggregate classification (germline): Uncertain significance (1 of 4 stars; one submission).

gnomAD v4.1: 1 of 1,614,040 alleles (0.000062%); highest among the groups gnomAD compares: Non-Finnish European, 0.000085%; no homozygotes.

Submission:

GeneDx
Classification: Uncertain significance. Last evaluated: 2023-06-13. Review status: criteria provided, single submitter. Criteria: GeneDx Variant Classification Process June 2021. Collection method: clinical testing. Allele origin: germline. Affected: yes.
Comment: Not observed at significant frequency in large population cohorts (gnomAD); In silico analysis supports that this missense variant does not alter protein structure/function; Has not been previously published as pathogenic or benign to our knowledge